The following is an entry in ClinVar:

NM_001395656.1(ROBO2):c.*1040T>G

Gene: ROBO2 (roundabout guidance receptor 2; plus strand). Cytogenetic location: 3p12.3.
Variant type: single nucleotide variant.
Coding change: c.*1040T>G on transcript NM_001395656.1 (MANE Select); 1040 bases downstream of the stop codon, T replaced by G.
Molecular consequence: 3 prime UTR variant.
Genome position (GRCh38, 1-based): chr3:77,647,095, T>G. VCF-style: chr3-77647095-T-G. GRCh37 (hg19) VCF-style: chr3-77696246-T-G.
Other names: c.*1040T>G (NM_001128929.3, NM_001290039.2, NM_001290040.2 and 14 more transcripts); c.*1037T>G (NM_001378194.1, NM_001378196.1, NM_001378199.1 and 3 more transcripts).
Identifiers: ClinVar variation 346727 (VCV000346727.6), dbSNP rs539305333, ClinGen allele CA10619597.

ClinVar aggregate classification (germline): Benign (1 of 4 stars; one submission).

Conditions:
Vesicoureteral reflux 2 (VUR2). Identifiers: Orphanet 289365, MedGen C1970483, MONDO:0012573, OMIM 610878.

Allele frequency attached by ClinVar (database versions not stated): gnomAD 0.00001 and 0.00009; TOPMed 0.00001; 1000 Genomes Project 30x 0.00047; 1000 Genomes Project 0.00060.
gnomAD v4.1: 13 of 152,658 alleles (0.0085%); highest among the groups gnomAD compares: South Asian, 0.25%; no homozygotes.

Submission:

Illumina Laboratory Services, Illumina
Classification: Benign for Vesicoureteral reflux 2. Last evaluated: 2018-01-13. Review status: criteria provided, single submitter. Criteria: ICSL Variant Classification Criteria 13 December 2019. Collection method: clinical testing. Allele origin: germline.
Comment: This variant was observed in the ICSL laboratory as part of a predisposition screen in an ostensibly healthy population. It had not been previously curated by ICSL or reported in the Human Gene Mutation Database (HGMD: prior to June 1st, 2018), and was therefore a candidate for classification through an automated scoring system. Utilizing variant allele frequency, disease prevalence and penetrance estimates, and inheritance mode, an automated score was calculated to assess if this variant is too frequent to cause the disease. Based on the score and internal cut-off values, a variant classified as benign is not then subjected to further curation. The score for this variant resulted in a classification of benign for this disease.